The following is an entry in ClinVar:

NM_000053.4(ATP7B):c.2921C>G (p.Thr974Arg)

Gene: ATP7B (ATPase copper transporting beta; minus strand). Cytogenetic location: 13q14.3.
Variant type: single nucleotide variant.
Coding change: c.2921C>G on transcript NM_000053.4 (MANE Select); coding-DNA position 2921, C replaced by G.
Protein change: p.Thr974Arg; replaces threonine 974 with arginine.
Molecular consequence: missense variant. On other transcripts: intron variant (6).
Genome position (GRCh38, 1-based): chr13:51,946,423, G>C on the plus strand (C>G on the coding strand, the complement: ATP7B is on the minus strand). VCF-style: chr13-51946423-G-C. GRCh37 (hg19) VCF-style: chr13-52520559-G-C.
Other names: c.2300C>G, p.Thr767Arg (NM_001005918.3); c.2588C>G, p.Thr863Arg (NM_001243182.2); c.2687C>G, p.Thr896Arg (NM_001330578.2, NM_001406527.1, NM_001406528.1 and 1 more transcripts); c.2669C>G, p.Thr890Arg (NM_001330579.2, NM_001406531.1, NM_001406532.1); c.2921C>G, p.Thr974Arg (NM_001406511.1, NM_001406512.1, NM_001406513.1 and 2 more transcripts); c.2888C>G, p.Thr963Arg (NM_001406514.1); c.2867C>G, p.Thr956Arg (NM_001406515.1, NM_001406516.1); c.2825C>G, p.Thr942Arg (NM_001406517.1, NM_001406518.1); and 18 more; short protein forms T544R, T758R, T767R, T780R, T812R, T831R, T858R, T863R.
Identifiers: ClinVar variation 4757603 (VCV004757603.1).
Genomic context (GRCh38, chr13:51,946,423, plus strand): 5'-GCCGTGGGCGTGGCCAGCCCCAGGGAGCAGGGGCAGGCAATGCACAGCACCGTGATGGAC[G>C]TCTGGAAAGCAAACCGGATGATCACCTCTGTCTGGGAGATGTGCTTGTTGGGGTTCTGAA-3'
Protein context (NP_000044.2, residues 964-984): TEVIIRFAFQ[Thr974Arg]SITVLCIACP

ClinVar aggregate classification (germline): Uncertain significance (1 of 4 stars; one submission).

Conditions:
Wilson disease (WND). Also called: Wilson's disease. Identifiers: Orphanet 905, MedGen C0019202, MONDO:0010200, OMIM 277900. Disease mechanism: loss of function.

gnomAD v4.1: 1 of 1,614,210 alleles (0.000062%); highest among the groups gnomAD compares: South Asian, 0.0011%; no homozygotes.

Submission:

Color Diagnostics, LLC DBA Color Health
Classification: Uncertain significance for Wilson disease. Last evaluated: 2025-07-02. Review status: criteria provided, single submitter. Criteria: ACMG Guidelines, 2015. Collection method: clinical testing. Allele origin: germline.
Comment: This missense variant replaces threonine with arginine at codon 974 of the ATP7B protein. Computational prediction is inconclusive regarding the impact of this variant on protein structure and function. To our knowledge, functional studies have not been reported for this variant. This variant has not been reported in individuals affected with ATP7B-related disorders in the literature. This variant has been identified in 1/249450 chromosomes in the general population by the Genome Aggregation Database (gnomAD). The available evidence is insufficient to determine the role of this variant in disease conclusively. Therefore, this variant is classified as a Variant of Uncertain Significance.